The following is an entry in ClinVar:

ClinVar aggregate classification (germline): Uncertain significance. Review status: criteria provided, multiple submitters, no conflicts (2 of 4 stars). 2 submissions from 2 submitters: Uncertain significance (2). Last evaluated 2022-10-19.

Allele frequency attached by ClinVar (database versions not stated): gnomAD exomes 0.00001; gnomAD 0.00003; TOPMed 0.00003; ExAC 0.00005; 1000 Genomes Project 30x 0.00021; 1000 Genomes Project 0.00026.
gnomAD v4.1: 17 of 1,200,890 alleles (0.0014%); highest among the groups gnomAD compares: Admixed American, 0.035%; no homozygotes.

Submissions (2):

Labcorp Genetics (formerly Invitae), Labcorp
Classification: Uncertain significance. Last evaluated: 2022-10-19. Review status: criteria provided, single submitter. Criteria: Invitae Variant Classification Sherloc (09022015). Collection method: clinical testing. Allele origin: germline.
Comment: In summary, the available evidence is currently insufficient to determine the role of this variant in disease. Therefore, it has been classified as a Variant of Uncertain Significance. Algorithms developed to predict the effect of missense changes on protein structure and function are either unavailable or do not agree on the potential impact of this missense change (SIFT: "Tolerated"; PolyPhen-2: "Possibly Damaging"; Align-GVGD: "Class C0"). This variant has not been reported in the literature in individuals affected with GYG2-related conditions. This variant is present in population databases (rs192438244, gnomAD 0.05%). This sequence change replaces aspartic acid, which is acidic and polar, with asparagine, which is neutral and polar, at codon 89 of the GYG2 protein (p.Asp89Asn).

Ambry Genetics
Classification: Uncertain significance. Last evaluated: 2021-07-09. Review status: criteria provided, single submitter. Criteria: Ambry Variant Classification Scheme 2023. Collection method: clinical testing. Allele origin: germline.

NM_001079855.2(GYG2):c.172G>A (p.Asp58Asn)

Gene: GYG2 (glycogenin 2; plus strand). Cytogenetic location: Xp22.33.
Variant type: single nucleotide variant.
Coding change: c.172G>A on transcript NM_001079855.2 (MANE Select); coding-DNA position 172, G replaced by A.
Protein change: p.Asp58Asn; replaces aspartic acid 58 with asparagine.
Molecular consequence: missense variant. On other transcripts: 5 prime UTR variant (1).
Genome position (GRCh38, 1-based): chrX:2,854,002, G>A. VCF-style: chrX-2854002-G-A. GRCh37 (hg19) VCF-style: chrX-2772043-G-A.
Other names: c.172G>A, p.Asp58Asn (NM_001184702.2); c.265G>A, p.Asp89Asn (NM_001184703.2, NM_003918.3); c.-294G>A (NM_001184704.2); c.265G>A (NM_003918.2); short protein forms D58N, D89N.
Identifiers: ClinVar variation 2171738 (VCV002171738.5), dbSNP rs192438244, ClinGen allele CA10337024.
Genomic context (GRCh38, chrX:2,854,002, plus strand): 5'-CACCCGCTGTCCCACTATTTGGCACATGTCTGTTCCAGGGTCATCCTCTCGAAGGTGTTC[G>A]ATGAAGTCATTGAAGTGAATCTAATCGATAGTGCCGACTACATCCACCTGGCCTTTCTGA-3'
Protein context (NP_001073324.1, residues 48-68): LLRVILSKVF[Asp58Asn]EVIEVNLIDS